The following is an entry in ClinVar:

ClinVar aggregate classification (germline): Likely pathogenic. Review status: criteria provided, multiple submitters, no conflicts (2 of 4 stars). 2 submissions from 2 submitters: Likely pathogenic (2). Last evaluated 2019-11-12.

Conditions:
ATRX-related disorder. Also called: ATRX-related condition.
Alpha thalassemia-X-linked intellectual disability syndrome (ATRX). Also called: ATR-X syndrome; Alpha thalassemia mental retardation syndrome, nondeletion type, X-linked; XLMR hypotonic face syndrome; ALPHA-THALASSEMIA/MENTAL RETARDATION SYNDROME, X-LINKED; ATR, NONDELETION TYPE; X-linked alpha-thalassemia-mental retardation syndrome. Identifiers: Orphanet 847, MedGen C1845055, MONDO:0010519, OMIM 301040.

Submissions (2):

Blueprint Genetics
Classification: Likely pathogenic for ATRX-related disorders. Last evaluated: 2019-11-12. Review status: criteria provided, single submitter. Criteria: ACMG Guidelines, 2015. Collection method: clinical testing. Allele origin: germline. Affected: yes. Observed: 1 variant allele.

Rady Children's Institute for Genomic Medicine, Rady Children's Hospital San Diego
Classification: Likely pathogenic for Alpha Thalassemia X-Linked Intellectual Disability Syndrome. Last evaluated: 2019-04-09. Review status: criteria provided, single submitter. Criteria: ACMG Guidelines, 2015. Collection method: clinical testing. Allele origin: germline. Affected: yes. Observed: 1 variant allele.
Comment: This variant has not been previously reported or functionally characterized in the literature to our knowledge. It is absent from the ExAC and gnomAD population databases and thus is presumed to be rare. The c.5048A>G, p.Tyr1683Cys variant affects a highly conserved amino acid and is predicted by multiple in silico tools to have a deleterious effect on protein function. The p.Tyr1683Cys variant occurs in the conserved Snf2 domain of the protein (also sometimes referred to as the helicase domain) in which pathogenic missense changes are concentrated (PMID: 21505078, 18409179). Based on the available evidence, the c.5048A>G, p.Tyr1683Cys variant is classified as Likely Pathogenic.

NM_000489.6(ATRX):c.5048A>G (p.Tyr1683Cys)

Gene: ATRX (ATRX chromatin remodeler; minus strand). Cytogenetic location: Xq21.1.
Variant type: single nucleotide variant.
Coding change: c.5048A>G on transcript NM_000489.6 (MANE Select); coding-DNA position 5048, A replaced by G.
Protein change: p.Tyr1683Cys; replaces tyrosine 1683 with cysteine.
Molecular consequence: missense variant.
Genome position (GRCh38, 1-based): chrX:77,633,293, T>C on the plus strand (A>G on the coding strand, the complement: ATRX is on the minus strand). VCF-style: chrX-77633293-T-C. GRCh37 (hg19) VCF-style: chrX-76888781-T-C.
Other names: c.4934A>G, p.Tyr1645Cys (NM_138270.5); short protein forms Y1645C, Y1683C.
Identifiers: ClinVar variation 692089 (VCV000692089.2), dbSNP rs1602979414, ClinGen allele CA413703461.